The following is an entry in ClinVar:

ClinVar aggregate classification (germline): Benign. Review status: criteria provided, multiple submitters, no conflicts (2 of 4 stars). 13 submissions from 11 submitters: Benign (9). 4 of the submissions do not count toward it. Last evaluated 2026-02-04.

Conditions:
Inflammatory bowel disease, immunodeficiency, and encephalopathy. Identifiers: Orphanet 565788, MedGen C4748708, MONDO:0032601, OMIM 618213.
Meckel syndrome, type 10 (MKS10). Identifiers: Orphanet 564, MedGen C3280036, MONDO:0013609, OMIM 614175.
Diaphyseal dysplasia. Also called: ENGELMANN DISEASE; Camurati-Engelmann Disease; PROGRESSIVE DIAPHYSEAL DYSPLASIA. Identifiers: Orphanet 1328, MedGen C0011989, MONDO:0007542, HP:0100252.
Breast cancer, invasive, susceptibility to.
Cystic fibrosis (CF). Also called: MUCOVISCIDOSIS. Identifiers: Orphanet 586, MedGen C0010674, MONDO:0009061, OMIM 219700. Disease mechanism: loss of function.

Allele frequency attached by ClinVar (database versions not stated): 1000 Genomes Project 0.54533; TOPMed 0.57317; gnomAD 0.60129.
gnomAD v4.1: 923,501 of 1,527,994 alleles (60%); highest among the groups gnomAD compares: Non-Finnish European, 62%; 280,580 homozygotes.

Submissions (13):

Labcorp Genetics (formerly Invitae), Labcorp
Classification: Benign. Last evaluated: 2026-02-04. Review status: criteria provided, single submitter. Criteria: Invitae Variant Classification Sherloc (09022015). Collection method: clinical testing. Allele origin: germline.

Blueprint Genetics
Classification: Benign. Last evaluated: 2024-11-28. Review status: criteria provided, single submitter. Criteria: ACMG Guidelines, 2015. Collection method: clinical testing. Allele origin: germline.

Unidad de Genómica Garrahan, Hospital de Pediatría Garrahan
Classification: Benign. Last evaluated: 2024-01-24. Review status: criteria provided, single submitter. Criteria: ACMG Guidelines, 2015. Collection method: clinical testing. Allele origin: germline. Affected: no. Observed: 74 variant alleles.
Comment: This variant is classified as Benign based on local population frequency. This variant was detected in 78% of patients studied by a panel of primary immunodeficiencies. Number of patients: 74. Only high quality variants are reported.

Mayo Clinic Laboratories, Mayo Clinic
Classification: Benign. Last evaluated: 2023-09-14. Review status: criteria provided, single submitter. Criteria: ACMG Guidelines, 2015. Collection method: clinical testing. Allele origin: germline. Observed: 104 variant alleles.
Comment: BA1

Genome-Nilou Lab
Classification: Benign for Camurati-Engelmann disease type 1. Last evaluated: 2021-09-10. Review status: criteria provided, single submitter. Criteria: ACMG Guidelines, 2015. Collection method: clinical testing. Allele origin: germline. Affected: no.

Genome-Nilou Lab
Classification: Benign for Inflammatory bowel disease, immunodeficiency, and encephalopathy. Last evaluated: 2021-09-10. Review status: criteria provided, single submitter. Criteria: ACMG Guidelines, 2015. Collection method: clinical testing. Allele origin: germline. Affected: no.

Fulgent Genetics
Classification: Benign for Meckel syndrome, type 10. Last evaluated: 2021-08-11. Review status: criteria provided, single submitter. Criteria: ACMG Guidelines, 2015. Collection method: clinical testing. Allele origin: unknown.

Breakthrough Genomics
Classification: Benign. Review status: criteria provided, single submitter. Criteria: ACMG Guidelines, 2015. Collection method: not provided. Allele origin: germline. Inheritance: Autosomal recessive inheritance. Affected: yes.

PreventionGenetics, part of Exact Sciences
Classification: Benign. Review status: criteria provided, single submitter. Criteria: ACMG Guidelines, 2015. Collection method: clinical testing. Allele origin: germline.

OMIM
Classification: risk factor for CYSTIC FIBROSIS LUNG DISEASE, MODIFIER OF. Last evaluated: 2008-07-15. Review status: no assertion criteria provided. Collection method: literature only. Allele origin: germline. Not counted in ClinVar's aggregate classification.

OMIM
Classification: risk factor for BREAST CANCER, INVASIVE, SUSCEPTIBILITY TO. Last evaluated: 2008-07-15. Review status: no assertion criteria provided. Collection method: literature only. Allele origin: germline. Not counted in ClinVar's aggregate classification.

Diagnostic Laboratory, Department of Genetics, University Medical Center Groningen
Classification: Benign. Review status: no assertion criteria provided. Collection method: clinical testing. Allele origin: germline. Affected: yes. Study: VKGL Data-share Consensus. Not counted in ClinVar's aggregate classification.

Joint Genome Diagnostic Labs from Nijmegen and Maastricht, Radboudumc and MUMC+
Classification: Benign. Review status: no assertion criteria provided. Collection method: clinical testing. Allele origin: germline. Affected: yes. Study: VKGL Data-share Consensus. Not counted in ClinVar's aggregate classification.

Literature cited by the submitters: PubMed 16207846 (cited by OMIM); Knowles, M. R. Personal Communication. 2005. Chapel Hill, N.C. (cited by OMIM); PubMed 18292811 (cited by OMIM); PubMed 18424453 (cited by OMIM); PubMed 17293864 (cited by OMIM).

NM_000660.7(TGFB1):c.29C>T (p.Pro10Leu)

Gene: TGFB1 (transforming growth factor beta 1; minus strand). Cytogenetic location: 19q13.2.
Variant type: single nucleotide variant.
Coding change: c.29C>T on transcript NM_000660.7 (MANE Select); coding-DNA position 29, C replaced by T.
Protein change: p.Pro10Leu; replaces proline 10 with leucine.
Molecular consequence: missense variant.
Genome position (GRCh38, 1-based): chr19:41,353,016, G>A on the plus strand (C>T on the coding strand, the complement: TGFB1 is on the minus strand). VCF-style: chr19-41353016-G-A. GRCh37 (hg19) VCF-style: chr19-41858921-G-A.
Other names: L10P; p.Pro10Leu; short protein forms P10L.
Identifiers: ClinVar variation 12534 (VCV000012534.26), dbSNP rs1800470, ClinGen allele CA122449.